The following is an entry in ClinVar:

NM_005060.4(RORC):c.1225G>A (p.Ala409Thr)

Gene: RORC (RAR related orphan receptor C; minus strand). Cytogenetic location: 1q21.3.
Variant type: single nucleotide variant.
Coding change: c.1225G>A on transcript NM_005060.4 (MANE Select); coding-DNA position 1225, G replaced by A.
Protein change: p.Ala409Thr; replaces alanine 409 with threonine.
Molecular consequence: missense variant.
Genome position (GRCh38, 1-based): chr1:151,813,007, C>T on the plus strand (G>A on the coding strand, the complement: RORC is on the minus strand). VCF-style: chr1-151813007-C-T. GRCh37 (hg19) VCF-style: chr1-151785483-C-T.
Other names: c.1162G>A, p.Ala388Thr (NM_001001523.2); short protein forms A388T, A409T.
Identifiers: ClinVar variation 2117017 (VCV002117017.4), dbSNP rs900022540, ClinGen allele CA30493023.

ClinVar aggregate classification (germline): Uncertain significance (1 of 4 stars; one submission).

Conditions:
Autosomal recessive mendelian susceptibility to mycobacterial diseases due to complete RORgamma receptor deficiency. Also called: Immunodeficiency 42. Identifiers: Orphanet 477857, MedGen C5567647, MONDO:0014710, OMIM 616622.

Allele frequency attached by ClinVar (database versions not stated): gnomAD exomes below 0.00001.
gnomAD v4.1: 1 of 1,614,138 alleles (0.000062%); highest among the groups gnomAD compares: African/African-American, 0.0013%; no homozygotes.

Submission:

Labcorp Genetics (formerly Invitae), Labcorp
Classification: Uncertain significance for Autosomal recessive mendelian susceptibility to mycobacterial diseases due to complete RORgamma receptor deficiency. Last evaluated: 2024-10-29. Review status: criteria provided, single submitter. Criteria: Invitae Variant Classification Sherloc (09022015). Collection method: clinical testing. Allele origin: germline.
Comment: This sequence change replaces alanine, which is neutral and non-polar, with threonine, which is neutral and polar, at codon 409 of the RORC protein (p.Ala409Thr). This variant is not present in population databases (gnomAD no frequency). This variant has not been reported in the literature in individuals affected with RORC-related conditions. ClinVar contains an entry for this variant (Variation ID: 2117017). An algorithm developed to predict the effect of missense changes on protein structure and function (PolyPhen-2) suggests that this variant is likely to be tolerated. In summary, the available evidence is currently insufficient to determine the role of this variant in disease. Therefore, it has been classified as a Variant of Uncertain Significance.